The following is an entry in ClinVar:

ClinVar aggregate classification (germline): Uncertain significance. Review status: criteria provided, multiple submitters, no conflicts (2 of 4 stars). 2 submissions from 2 submitters: Uncertain significance (2). Last evaluated 2023-09-28.

Conditions:
Inborn genetic diseases. Identifiers: MedGen C0950123, MeSH D030342.

Allele frequency attached by ClinVar (database versions not stated): TOPMed 0.00002.
gnomAD v4.1: 1 of 1,613,840 alleles (0.000062%); highest among the groups gnomAD compares: African/African-American, 0.0013%; no homozygotes.

Submissions (2):

Labcorp Genetics (formerly Invitae), Labcorp
Classification: Uncertain significance. Last evaluated: 2023-09-28. Review status: criteria provided, single submitter. Criteria: Invitae Variant Classification Sherloc (09022015). Collection method: clinical testing. Allele origin: germline.
Comment: In summary, the available evidence is currently insufficient to determine the role of this variant in disease. Therefore, it has been classified as a Variant of Uncertain Significance. Advanced modeling of protein sequence and biophysical properties (such as structural, functional, and spatial information, amino acid conservation, physicochemical variation, residue mobility, and thermodynamic stability) has been performed at Invitae for this missense variant, however the output from this modeling did not meet the statistical confidence thresholds required to predict the impact of this variant on GSN protein function. ClinVar contains an entry for this variant (Variation ID: 2255432). This variant has not been reported in the literature in individuals affected with GSN-related conditions. This variant is not present in population databases (gnomAD no frequency). This sequence change replaces phenylalanine, which is neutral and non-polar, with leucine, which is neutral and non-polar, at codon 468 of the GSN protein (p.Phe468Leu).

Ambry Genetics
Classification: Uncertain significance for Inborn genetic diseases. Last evaluated: 2021-10-14. Review status: criteria provided, single submitter. Criteria: Ambry Variant Classification Scheme 2023. Collection method: clinical testing. Allele origin: germline.

NM_198252.3(GSN):c.1251C>A (p.Phe417Leu)

Gene: GSN (gelsolin; plus strand). Cytogenetic location: 9q33.2.
Variant type: single nucleotide variant.
Coding change: c.1251C>A on transcript NM_198252.3 (MANE Select); coding-DNA position 1251, C replaced by A.
Protein change: p.Phe417Leu; replaces phenylalanine 417 with leucine.
Molecular consequence: missense variant.
Genome position (GRCh38, 1-based): chr9:121,321,327, C>A. VCF-style: chr9-121321327-C-A. GRCh37 (hg19) VCF-style: chr9-124083605-C-A.
Other names: c.1404C>A, p.Phe468Leu (NM_000177.5); c.1251C>A, p.Phe417Leu (NM_001127662.2, NM_001127664.2, NM_001127665.2 and 10 more transcripts); c.1359C>A, p.Phe453Leu (NM_001127663.2); c.1284C>A, p.Phe428Leu (NM_001127666.2, NM_001127667.2, NM_001353073.2 and 13 more transcripts); c.1302C>A, p.Phe434Leu (NM_001258029.2); c.1275C>A, p.Phe425Leu (NM_001258030.2); c.1323C>A, p.Phe441Leu (NM_001353076.2); c.597C>A, p.Phe199Leu (NM_001353078.2); short protein forms F425L, F428L, F434L, F417L, F441L, F453L, F468L, F199L.
Identifiers: ClinVar variation 2255432 (VCV002255432.5), dbSNP rs1299082302, ClinGen allele CA374749772.